The following is an entry in ClinVar:

NM_014855.3(AP5Z1):c.41+812_970del

Gene: AP5Z1 (adaptor related protein complex 5 subunit zeta 1; plus strand). Cytogenetic location: 7p22.1.
Variant type: Deletion.
Coding change: c.41+812_970del on transcript NM_014855.3 (MANE Select); 812 bases into the intron after coding-DNA position 41 through coding-DNA position 970, 8,955 bases deleted.
Molecular consequence: splice acceptor variant, splice donor variant. On other transcripts: initiator codon variant (1).
Genome position (GRCh38, 1-based): chr7:4,776,568-4,785,522, 8,955 bases deleted. GRCh37 (hg19): chr7:4,816,199-4,825,153.
Other names: c.-241+812_502del (NM_001364858.1).
Identifiers: ClinVar variation 579773 (VCV000579773.2), ClinGen allele CA891843155.

ClinVar aggregate classification (germline): Likely pathogenic (1 of 4 stars; one submission).

Conditions:
Hereditary spastic paraplegia 48. Also called: SPASTIC PARAPLEGIA 48, AUTOSOMAL RECESSIVE; Spastic paraplegia 48. Identifiers: Orphanet 306511, MedGen C3150901, MONDO:0013342, OMIM 613647.

Submission:

Labcorp Genetics (formerly Invitae), Labcorp
Classification: Likely pathogenic for Spastic paraplegia 48, autosomal recessive. Last evaluated: 2018-06-13. Review status: criteria provided, single submitter. Criteria: Invitae Variant Classification Sherloc (09022015). Collection method: clinical testing. Allele origin: germline.
Comment: This variant,Â¬â€ c.41+812_970delinsTTAGCCGGGCATGGTG, is a complex rearrangement involving a gross deletion of the genomic region encompassing exons 2-8 and part of exon 9 of theÂ¬â€ AP5Z1Â¬â€ gene and an insertion of 16 nucleotides. It is expected to disrupt RNA splicing and likely results in an absent or disrupted protein product. This variant has not been reported in the literature in individuals with AP5Z1-related disease. Loss-of-function variants in AP5Z1 are known to be pathogenic (PMID: 20613862, 27606357). In summary, the currently available evidence indicates that the variant is pathogenic, but additional data are needed to prove that conclusively. Therefore, this variant has been classified as Likely Pathogenic.